The following is an entry in ClinVar:

NM_000093.5(COL5A1):c.3235C>T (p.Pro1079Ser)

Gene: COL5A1 (collagen type V alpha 1 chain; plus strand). Cytogenetic location: 9q34.3.
Variant type: single nucleotide variant.
Coding change: c.3235C>T on transcript NM_000093.5 (MANE Select); coding-DNA position 3235, C replaced by T.
Protein change: p.Pro1079Ser; replaces proline 1079 with serine.
Molecular consequence: missense variant.
Genome position (GRCh38, 1-based): chr9:134,805,191, C>T. VCF-style: chr9-134805191-C-T. GRCh37 (hg19) VCF-style: chr9-137697037-C-T.
Other names: c.3235C>T, p.Pro1079Ser (NM_001278074.1); short protein forms P1079S.
Identifiers: ClinVar variation 577022 (VCV000577022.14), dbSNP rs763310793, ClinGen allele CA5319809.

ClinVar aggregate classification (germline): Conflicting classifications of pathogenicity. Review status: criteria provided, conflicting classifications (1 of 4 stars). 5 submissions from 5 submitters: Uncertain significance (4); Likely benign (1). Last evaluated 2026-02-01.

Conditions:
COL5A1-related disorder. Also called: COL5A1-related condition.
Ehlers-Danlos syndrome, classic type, 1 (EDSCL1). Also called: Ehlers-Danlos Syndrome, Classic Type, COL5A1-Related; EDS I; Ehlers-Danlos syndrome, type 1; EHLERS-DANLOS SYNDROME, GRAVIS TYPE; EHLERS-DANLOS SYNDROME, SEVERE CLASSIC TYPE. Identifiers: MedGen C0268335, MONDO:0019567, OMIM 130000.
Familial thoracic aortic aneurysm and aortic dissection (TAAD). Also called: Thoracic aortic aneurysms and dissections. Identifiers: Orphanet 91387, MedGen C4707243, MONDO:0019625.

Allele frequency attached by ClinVar (database versions not stated): TOPMed below 0.00001; gnomAD exomes 0.00001; ExAC 0.00002.
gnomAD v4.1: 9 of 1,613,924 alleles (0.00056%); highest among the groups gnomAD compares: Non-Finnish European, 0.00076%; no homozygotes.

Submissions (5):

Labcorp Genetics (formerly Invitae), Labcorp
Classification: Likely benign for Ehlers-Danlos syndrome, classic type, 1. Last evaluated: 2026-02-01. Review status: criteria provided, single submitter. Criteria: Invitae Variant Classification Sherloc (09022015). Collection method: clinical testing. Allele origin: germline.

PreventionGenetics, part of Exact Sciences
Classification: Uncertain significance for COL5A1-related condition. Last evaluated: 2025-06-06. Review status: criteria provided, single submitter. Criteria: ACMG Guidelines, 2015. Collection method: clinical testing. Allele origin: germline.
Comment: The COL5A1 c.3235C>T variant is predicted to result in the amino acid substitution p.Pro1079Ser. To our knowledge, this variant has not been reported in the literature. This variant is reported in 0.0018% of alleles in individuals of European (Non-Finnish) descent in gnomAD. At this time, the clinical significance of this variant is uncertain due to the absence of conclusive functional and genetic evidence.

Ambry Genetics
Classification: Uncertain significance for Familial thoracic aortic aneurysm and aortic dissection. Last evaluated: 2025-03-25. Review status: criteria provided, single submitter. Criteria: Ambry Variant Classification Scheme 2023. Collection method: clinical testing. Allele origin: germline.
Comment: The p.P1079S variant (also known as c.3235C>T), located in coding exon 41 of the COL5A1 gene, results from a C to T substitution at nucleotide position 3235. The proline at codon 1079 is replaced by serine, an amino acid with similar properties. This amino acid position is highly conserved in available vertebrate species. In addition, the in silico prediction for this alteration is inconclusive. Based on the available evidence, the clinical significance of this variant remains unclear.

ARUP Laboratories, Molecular Genetics and Genomics, ARUP Laboratories
Classification: Uncertain significance. Last evaluated: 2024-12-18. Review status: criteria provided, single submitter. Criteria: ARUP Molecular Germline Variant Investigation Process 2024. Collection method: clinical testing. Allele origin: germline.
Comment: The COL5A1 c.3235C>T; p.Pro1079Ser variant (rs763310793; ), to our knowledge, is not reported in the medical literature but is reported in ClinVar (Variation ID: 577022). This variant is only observed on two alleles in the Genome Aggregation Database (v2.1.1), indicating it is not a common polymorphism. Computational analyses are uncertain whether this variant is neutral or deleterious (REVEL: 0.689). Due to limited information, the clinical significance of this variant is uncertain at this time.

GeneDx
Classification: Uncertain significance. Last evaluated: 2022-05-31. Review status: criteria provided, single submitter. Criteria: GeneDx Variant Classification Process June 2021. Collection method: clinical testing. Allele origin: germline. Affected: yes.
Comment: Has not been previously published as pathogenic or benign to our knowledge; Not observed at significant frequency in large population cohorts (gnomAD); In silico analysis supports that this missense variant has a deleterious effect on protein structure/function; Occurs in the triple helical domain at the X position in the canonical Gly-X-Y repeat; although this variant may have an effect on normal protein folding and function, missense substitution at the X position is not a common mechanism of disease (Symoens et al., 2012; HGMD)